The following is an entry in ClinVar:

NM_001378452.1(ITPR1):c.6427G>A (p.Glu2143Lys)

Gene: ITPR1 (inositol 1,4,5-trisphosphate receptor type 1; plus strand). Cytogenetic location: 3p26.1.
Variant type: single nucleotide variant.
Coding change: c.6427G>A on transcript NM_001378452.1 (MANE Select); coding-DNA position 6427, G replaced by A.
Protein change: p.Glu2143Lys; replaces glutamic acid 2143 with lysine.
Molecular consequence: missense variant.
Genome position (GRCh38, 1-based): chr3:4,782,658, G>A. VCF-style: chr3-4782658-G-A. GRCh37 (hg19) VCF-style: chr3-4824342-G-A.
Other names: c.6283G>A, p.Glu2095Lys (NM_001099952.4); c.6382G>A, p.Glu2128Lys (NM_001168272.2); c.6238G>A, p.Glu2080Lys (NM_002222.7); short protein forms E2128K, E2143K, E2095K, E2080K.
Identifiers: ClinVar variation 2728641 (VCV002728641.3), dbSNP rs1301974310, ClinGen allele CA351639131.

ClinVar aggregate classification (germline): Uncertain significance (1 of 4 stars; one submission).

Allele frequency attached by ClinVar (database versions not stated): gnomAD 0.00001.
gnomAD v4.1: 1 of 1,605,304 alleles (0.000062%); highest among the groups gnomAD compares: Non-Finnish European, 0.000085%; no homozygotes.

Submission:

Labcorp Genetics (formerly Invitae), Labcorp
Classification: Uncertain significance. Last evaluated: 2022-11-01. Review status: criteria provided, single submitter. Criteria: Invitae Variant Classification Sherloc (09022015). Collection method: clinical testing. Allele origin: germline.
Comment: In summary, the available evidence is currently insufficient to determine the role of this variant in disease. Therefore, it has been classified as a Variant of Uncertain Significance. Advanced modeling of protein sequence and biophysical properties (such as structural, functional, and spatial information, amino acid conservation, physicochemical variation, residue mobility, and thermodynamic stability) performed at Invitae indicates that this missense variant is not expected to disrupt ITPR1 protein function. This variant has not been reported in the literature in individuals affected with ITPR1-related conditions. This variant is present in population databases (no rsID available, gnomAD 0.007%). This sequence change replaces glutamic acid, which is acidic and polar, with lysine, which is basic and polar, at codon 2080 of the ITPR1 protein (p.Glu2080Lys).